The following is an entry in ClinVar:

NM_001042492.3(NF1):c.3267A>G (p.Glu1089=)

Gene: NF1 (neurofibromin 1; plus strand). Cytogenetic location: 17q11.2.
Variant type: single nucleotide variant.
Coding change: c.3267A>G on transcript NM_001042492.3 (MANE Select); coding-DNA position 3267, A replaced by G.
Protein change: p.Glu1089=; no amino-acid change (glutamic acid 1089 retained).
Molecular consequence: synonymous variant.
Genome position (GRCh38, 1-based): chr17:31,232,142, A>G. VCF-style: chr17-31232142-A-G. GRCh37 (hg19) VCF-style: chr17-29559160-A-G.
Other names: c.3267A>G, p.Glu1089= (NM_000267.4).
Identifiers: ClinVar variation 1089516 (VCV001089516.10), dbSNP rs1156280518, ClinGen allele CA499232256.

ClinVar aggregate classification (germline): Benign/Likely benign. Review status: criteria provided, multiple submitters, no conflicts (2 of 4 stars). 3 submissions from 3 submitters: Benign (1); Likely benign (2). Last evaluated 2026-05-20.

Conditions:
Cardiovascular phenotype. Identifiers: MedGen CN230736.
Hereditary cancer-predisposing syndrome. Also called: Neoplastic Syndromes, Hereditary; Tumor predisposition; Hereditary Cancer Syndrome; Hereditary neoplastic syndrome. Identifiers: Orphanet 140162, MedGen C0027672, MeSH D009386, MONDO:0015356.
Neurofibromatosis, type 1 (NF1). Also called: Peripheral type neurofibromatosis; NEUROFIBROMATOSIS, TYPE I, SOMATIC; VON RECKLINGHAUSEN DISEASE; Neurofibromatosis, type I. Identifiers: Orphanet 636, MedGen C0027831, MONDO:0018975, OMIM 162200. Disease mechanism: loss of function.

Allele frequency attached by ClinVar (database versions not stated): gnomAD exomes below 0.00001.
gnomAD v4.1: 1 of 1,610,828 alleles (0.000062%); highest among the groups gnomAD compares: Admixed American, 0.0017%; no homozygotes.

Submissions (3):

Myriad Genetics, Inc.
Classification: Benign for Neurofibromatosis, type 1. Last evaluated: 2026-05-20. Review status: criteria provided, single submitter. Criteria: Myriad Autosomal Dominant, Autosomal Recessive and X-Linked Classification Criteria (2023). Collection method: clinical testing. Allele origin: unknown.
Comment: This variant is considered benign. This variant is a silent/synonymous amino acid change and it is not expected to impact splicing.

Labcorp Genetics (formerly Invitae), Labcorp
Classification: Likely benign for Neurofibromatosis, type 1. Last evaluated: 2026-01-06. Review status: criteria provided, single submitter. Criteria: Invitae Variant Classification Sherloc (09022015). Collection method: clinical testing. Allele origin: germline.

Ambry Genetics
Classification: Likely benign for Cardiovascular phenotype; Hereditary cancer-predisposing syndrome. Last evaluated: 2021-10-30. Review status: criteria provided, single submitter. Criteria: Ambry Variant Classification Scheme 2023. Collection method: clinical testing. Allele origin: germline.